The following is an entry in ClinVar:

ClinVar aggregate classification (germline): Uncertain significance (1 of 4 stars; one submission).

Submission:

Ambry Genetics
Classification: Uncertain significance. Last evaluated: 2024-09-30. Review status: criteria provided, single submitter. Criteria: Ambry Variant Classification Scheme 2023. Collection method: clinical testing. Allele origin: germline.
Comment: The p.A151S variant (also known as c.451G>T), located in coding exon 1 of the EGLN1 gene, results from a G to T substitution at nucleotide position 451. The alanine at codon 151 is replaced by serine, an amino acid with similar properties. This amino acid position is conserved. In addition, this alteration is predicted to be tolerated by in silico analysis. Based on the available evidence, the clinical significance of this variant remains unclear.

NM_022051.3(EGLN1):c.451G>T (p.Ala151Ser)

Gene: EGLN1 (egl-9 family hypoxia inducible factor 1; minus strand). Cytogenetic location: 1q42.2.
Variant type: single nucleotide variant.
Coding change: c.451G>T on transcript NM_022051.3 (MANE Select); coding-DNA position 451, G replaced by T.
Protein change: p.Ala151Ser; replaces alanine 151 with serine.
Molecular consequence: missense variant.
Genome position (GRCh38, 1-based): chr1:231,421,438, C>A on the plus strand (G>T on the coding strand, the complement: EGLN1 is on the minus strand). VCF-style: chr1-231421438-C-A. GRCh37 (hg19) VCF-style: chr1-231557184-C-A.
Other names: c.451G>T, p.Ala151Ser (NM_001377260.1, NM_001377261.1); short protein forms A151S.
Identifiers: ClinVar variation 3507229 (VCV003507229.1).
Genomic context (GRCh38, chr1:231,421,438, plus strand): 5'-CCCCGGGCGTGTTGCTTGGGGGGTACAGGTTCGCCTTCTCCTGGAACAGCGATGAGCGGG[C>A]CGGCGGCTCCTCCTTGCCGGGCTCGGCTTCGGCAGCCACCGCCGAGCCCTGGCCGCCGGC-3'
Protein context (NP_071334.1, residues 141-161): EAEPGKEEPP[Ala151Ser]RSSLFQEKAN